The following is an entry in ClinVar:

NM_025114.4(CEP290):c.5271A>C (p.Ala1757=)

Gene: CEP290 (centrosomal protein 290; minus strand). Cytogenetic location: 12q21.32.
Variant type: single nucleotide variant.
Coding change: c.5271A>C on transcript NM_025114.4 (MANE Select); coding-DNA position 5271, A replaced by C.
Protein change: p.Ala1757=; no amino-acid change (alanine 1757 retained).
Molecular consequence: synonymous variant.
Genome position (GRCh38, 1-based): chr12:88,079,185, T>G on the plus strand (A>C on the coding strand, the complement: CEP290 is on the minus strand). VCF-style: chr12-88079185-T-G. GRCh37 (hg19) VCF-style: chr12-88472962-T-G.
Other names: c.5271A>C (NM_025114.3).
Identifiers: ClinVar variation 1154314 (VCV001154314.11), dbSNP rs368906813, ClinGen allele CA6711746.

ClinVar aggregate classification (germline): Likely benign. Review status: criteria provided, multiple submitters, no conflicts (2 of 4 stars). 3 submissions from 3 submitters: Likely benign (2). 1 of the submissions does not count toward it. Last evaluated 2026-01-19.

Conditions:
CEP290-related disorder. Also called: CEP290-related condition; CEP290-related disorders. Identifiers: MedGen CN239314.
Nephronophthisis. Also called: Juvenile Nephronophthisis. Identifiers: Orphanet 655, MedGen C0687120, MONDO:0019005, HP:0000090.
Joubert syndrome. Also called: JOUBERT-BOLTSHAUSER SYNDROME; Familial aplasia of the vermis. Identifiers: Orphanet 475, MedGen C5979921, MONDO:0018772.
Meckel-Gruber syndrome. Also called: Dysencephalia splachnocystica; GRUBER SYNDROME; DYSENCEPHALIA SPLANCHNOCYSTICA. Identifiers: Orphanet 564, MedGen C0265215, MONDO:0018921.

Allele frequency attached by ClinVar (database versions not stated): gnomAD exomes below 0.00001; ExAC 0.00001; gnomAD 0.00003; TOPMed 0.00007; ESP Exome Variant Server 0.00008.
gnomAD v4.1: 9 of 1,601,688 alleles (0.00056%); highest among the groups gnomAD compares: African/African-American, 0.0054%; no homozygotes.

Submissions (3):

Labcorp Genetics (formerly Invitae), Labcorp
Classification: Likely benign for Joubert syndrome; Meckel-Gruber syndrome; Nephronophthisis. Last evaluated: 2026-01-19. Review status: criteria provided, single submitter. Criteria: Invitae Variant Classification Sherloc (09022015). Collection method: clinical testing. Allele origin: germline.

Blueprint Genetics
Classification: Likely benign. Last evaluated: 2022-11-04. Review status: criteria provided, single submitter. Criteria: ACMG Guidelines, 2015. Collection method: clinical testing. Allele origin: germline.

PreventionGenetics, part of Exact Sciences
Classification: Likely benign for CEP290-related condition. Last evaluated: 2021-02-03. Review status: no assertion criteria provided. Collection method: clinical testing. Allele origin: germline. Not counted in ClinVar's aggregate classification.
Comment: This variant is classified as likely benign based on ACMG/AMP sequence variant interpretation guidelines (Richards et al. 2015 PMID: 25741868, with internal and published modifications).